The following is an entry in ClinVar:

ClinVar aggregate classification (germline): Uncertain significance (1 of 4 stars; one submission).

Conditions:
ZIC3-related disorder. Also called: ZIC3-related condition; ZIC3-Related Disorders.

Submission:

PreventionGenetics, part of Exact Sciences
Classification: Uncertain significance for ZIC3-related condition. Last evaluated: 2023-08-25. Review status: criteria provided, single submitter. Criteria: ACMG Guidelines, 2015. Collection method: clinical testing. Allele origin: germline.
Comment: The ZIC3 c.845T>G variant is predicted to result in the amino acid substitution p.Val282Gly. To our knowledge, this variant has not been reported in the literature or in a large population database, indicating this variant is rare. At this time, the clinical significance of this variant is uncertain due to the absence of conclusive functional and genetic evidence.

NM_003413.4(ZIC3):c.845T>G (p.Val282Gly)

Gene: ZIC3 (Zic family zinc finger 3; plus strand). Cytogenetic location: Xq26.3.
Variant type: single nucleotide variant.
Coding change: c.845T>G on transcript NM_003413.4 (MANE Select); coding-DNA position 845, T replaced by G.
Protein change: p.Val282Gly; replaces valine 282 with glycine.
Molecular consequence: missense variant.
Genome position (GRCh38, 1-based): chrX:137,567,536, T>G. VCF-style: chrX-137567536-T-G. GRCh37 (hg19) VCF-style: chrX-136649695-T-G.
Other names: c.845T>G, p.Val282Gly (NM_001330661.1); short protein forms V282G.
Identifiers: ClinVar variation 2630826 (VCV002630826.1), dbSNP rs2521150490, ClinGen allele CA414770826.